The following is an entry in ClinVar:

NM_032119.4(ADGRV1):c.4913C>G (p.Pro1638Arg)

Gene: ADGRV1 (adhesion G protein-coupled receptor V1; plus strand). Cytogenetic location: 5q14.3.
Variant type: single nucleotide variant.
Coding change: c.4913C>G on transcript NM_032119.4 (MANE Select); coding-DNA position 4913, C replaced by G.
Protein change: p.Pro1638Arg; replaces proline 1638 with arginine.
Molecular consequence: missense variant. On other transcripts: non-coding transcript variant (1).
Genome position (GRCh38, 1-based): chr5:90,672,706, C>G. VCF-style: chr5-90672706-C-G. GRCh37 (hg19) VCF-style: chr5-89968523-C-G.
Other names: short protein forms P1638R.
Identifiers: ClinVar variation 1525599 (VCV001525599.9), dbSNP rs2149539565, ClinGen allele CA360407204.

ClinVar aggregate classification (germline): Uncertain significance. Review status: criteria provided, multiple submitters, no conflicts (2 of 4 stars). 2 submissions from 2 submitters: Uncertain significance (2). Last evaluated 2022-06-20.

Submissions (2):

GeneDx
Classification: Uncertain significance. Last evaluated: 2022-06-20. Review status: criteria provided, single submitter. Criteria: GeneDx Variant Classification Process June 2021. Collection method: clinical testing. Allele origin: germline. Affected: yes.
Comment: Not observed at significant frequency in large population cohorts (gnomAD); In silico analysis supports that this missense variant has a deleterious effect on protein structure/function; Has not been previously published as pathogenic or benign to our knowledge

Labcorp Genetics (formerly Invitae), Labcorp
Classification: Uncertain significance. Last evaluated: 2022-01-15. Review status: criteria provided, single submitter. Criteria: Invitae Variant Classification Sherloc (09022015). Collection method: clinical testing. Allele origin: germline.
Comment: In summary, the available evidence is currently insufficient to determine the role of this variant in disease. Therefore, it has been classified as a Variant of Uncertain Significance. Algorithms developed to predict the effect of missense changes on protein structure and function are either unavailable or do not agree on the potential impact of this missense change (SIFT: "Deleterious"; PolyPhen-2: "Probably Damaging"; Align-GVGD: "Class C0"). This variant has not been reported in the literature in individuals affected with ADGRV1-related conditions. This variant is not present in population databases (gnomAD no frequency). This sequence change replaces proline, which is neutral and non-polar, with arginine, which is basic and polar, at codon 1638 of the ADGRV1 protein (p.Pro1638Arg).